The following is an entry in ClinVar:

ClinVar aggregate classification (germline): Uncertain significance (1 of 4 stars; one submission).

Conditions:
Cardiomyopathy (CMYO). Also called: Cardiomyopathies. Identifiers: Orphanet 167848, MedGen C0878544, MONDO:0004994, HP:0001638. Inheritance: Various modes of inheritance.

Submission:

Color Diagnostics, LLC DBA Color Health
Classification: Uncertain significance for Cardiomyopathy. Last evaluated: 2023-06-16. Review status: criteria provided, single submitter. Criteria: ACMG Guidelines, 2015. Collection method: clinical testing. Allele origin: germline.
Comment: This variant causes a T to G nucleotide substitution at the -13 position of intron 1 of the PKP2 gene. To our knowledge, functional studies have not been reported for this variant. This variant has not been reported in individuals affected with PKP2-related disorders in the literature. This variant has not been identified in the general population by the Genome Aggregation Database (gnomAD). The available evidence is insufficient to determine the role of this variant in disease conclusively. Therefore, this variant is classified as a Variant of Uncertain Significance.

NM_001005242.3(PKP2):c.224-13T>G

Gene: PKP2 (plakophilin 2; minus strand). Cytogenetic location: 12p11.21.
Variant type: single nucleotide variant.
Coding change: c.224-13T>G on transcript NM_001005242.3 (MANE Select); 13 bases into the intron before coding-DNA position 224, T replaced by G.
Molecular consequence: intron variant.
Genome position (GRCh38, 1-based): chr12:32,879,045, A>C on the plus strand (T>G on the coding strand, the complement: PKP2 is on the minus strand). VCF-style: chr12-32879045-A-C. GRCh37 (hg19) VCF-style: chr12-33031979-A-C.
Other names: c.224-13T>G (NM_001407156.1, NM_001407155.1, NM_004572.4 and 2 more transcripts); c.-104-13T>G (NM_001407160.1, NM_001407159.1, NM_001407158.1 and 1 more transcripts).
Identifiers: ClinVar variation 2774109 (VCV002774109.2), dbSNP rs2541345348, ClinGen allele CA2697559156.